The following is an entry in ClinVar:

NM_170601.5(SIAE):c.1124G>A (p.Ser375Asn)

Gene: SIAE (sialic acid acetylesterase; minus strand). Cytogenetic location: 11q24.2.
Variant type: single nucleotide variant.
Coding change: c.1124G>A on transcript NM_170601.5 (MANE Select); coding-DNA position 1124, G replaced by A.
Protein change: p.Ser375Asn; replaces serine 375 with asparagine.
Molecular consequence: missense variant.
Genome position (GRCh38, 1-based): chr11:124,639,710, C>T on the plus strand (G>A on the coding strand, the complement: SIAE is on the minus strand). VCF-style: chr11-124639710-C-T. GRCh37 (hg19) VCF-style: chr11-124509606-C-T.
Other names: c.1019G>A, p.Ser340Asn (NM_001199922.2); short protein forms S340N, S375N.
Identifiers: ClinVar variation 1952401 (VCV001952401.5), dbSNP rs748501578, ClinGen allele CA6341295.

ClinVar aggregate classification (germline): Uncertain significance (1 of 4 stars; one submission).

Allele frequency attached by ClinVar (database versions not stated): ExAC 0.00001.
gnomAD v4.1: 2 of 1,614,022 alleles (0.00012%); highest among the groups gnomAD compares: Non-Finnish European, 0.00017%; no homozygotes.

Submission:

Labcorp Genetics (formerly Invitae), Labcorp
Classification: Uncertain significance. Last evaluated: 2023-03-18. Review status: criteria provided, single submitter. Criteria: Invitae Variant Classification Sherloc (09022015). Collection method: clinical testing. Allele origin: germline.
Comment: In summary, the available evidence is currently insufficient to determine the role of this variant in disease. Therefore, it has been classified as a Variant of Uncertain Significance. Variants that disrupt the consensus splice site are a relatively common cause of aberrant splicing (PMID: 17576681, 9536098). Algorithms developed to predict the effect of sequence changes on RNA splicing suggest that this variant may disrupt the consensus splice site. An algorithm developed to predict the effect of missense changes on protein structure and function (PolyPhen-2) suggests that this variant is likely to be disruptive. ClinVar contains an entry for this variant (Variation ID: 1952401). This variant has not been reported in the literature in individuals affected with SIAE-related conditions. This variant is present in population databases (rs748501578, gnomAD 0.006%). This sequence change replaces serine, which is neutral and polar, with asparagine, which is neutral and polar, at codon 375 of the SIAE protein (p.Ser375Asn). This variant also falls at the last nucleotide of exon 8, which is part of the consensus splice site for this exon.

Literature cited by the submitters: PubMed 17576681; PubMed 9536098.